The following is an entry in ClinVar:

NM_153332.4(ERI1):c.1050ACA[1] (p.Ter350=)

Gene: ERI1 (exoribonuclease 1). Cytogenetic location: 8p23.1.
Variant type: Microsatellite.
Coding change: c.1050ACA[1] on transcript NM_153332.4 (MANE Select); one copy of the 3-base unit ACA starting at c.1050.
Protein change: p.Ter350=.
Molecular consequence: no sequence alteration. On other transcripts: intron variant (1).
Genome position: GRCh38 VCF-style: chr8-9030032-TAAC-T. GRCh37 (hg19) VCF-style: chr8-8887542-TAAC-T.
Other names: c.816ACA[1], p.Ter272= (NM_001354635.2); c.705ACA[1], p.Ter235= (NM_001354636.2); c.807+9573_807+9575del (NM_001354638.2).
Identifiers: ClinVar variation 4977399 (VCV004977399.1).
Genomic context (GRCh38, chr8:9,030,032, plus strand): 5'-GTGTCCTCTTCCTTACCAATAGAGGGCACTCCACCACCACAAATGCCACATTTTAGAAAG[TAAC>T]AACAGTTTTGTGTGTGGATCATTCCAATTGAAGTTGCTATGAAGAGGTAGCAGATGAATC-3'

ClinVar aggregate classification (germline): Benign (1 of 4 stars; one submission).

Conditions:
ERI1-related disorder. Also called: ERI1-related condition.

Submission:

PreventionGenetics, part of Exact Sciences
Classification: Benign for ERI1-related condition. Last evaluated: 2024-12-03. Review status: criteria provided, single submitter. Criteria: ACMG Guidelines, 2015. Collection method: clinical testing. Allele origin: germline.
Comment: This variant is classified as benign based on ACMG/AMP sequence variant interpretation guidelines (Richards et al. 2015 PMID: 25741868, with internal and published modifications).